The following is an entry in ClinVar:

ClinVar aggregate classification (germline): Likely pathogenic. Review status: criteria provided, single submitter (1 of 4 stars). 2 submissions from 2 submitters: Likely pathogenic (1). 1 of the submissions does not count toward it. Last evaluated 2024-03-01.

Conditions:
X-linked myopathy with excessive autophagy (AVM). Also called: Vacuolar myopathy; Autophagic vacuolar myopathy. Identifiers: Orphanet 25980, MedGen C1839615, MONDO:0010684, OMIM 310440.

Submissions (2):

Muscle and Diseases Team, Institut de Génétique et Biologie Moléculaire et Cellulaire
Classification: Likely pathogenic for X-linked myopathy with excessive autophagy. Last evaluated: 2024-03-01. Review status: criteria provided, single submitter. Criteria: ACMG Guidelines, 2015. Collection method: research. Allele origin: unknown. Affected: yes. Observed: 1 variant allele.
Comment: PS3+PM2+PP5

OMIM
Classification: Pathogenic for MYOPATHY, X-LINKED, WITH EXCESSIVE AUTOPHAGY. Last evaluated: 2013-03-01. Review status: no assertion criteria provided. Collection method: literature only. Allele origin: germline. Not counted in ClinVar's aggregate classification.

Literature cited by the submitters: DOI 10.1186/s13073-024-01353-0 (cited by Muscle and Diseases Team, Institut de Génétique et Biologie Moléculaire et Cellulaire); PubMed 23315026 (cited by Muscle and Diseases Team, Institut de Génétique et Biologie Moléculaire et Cellulaire and OMIM).

NM_001017980.4(VMA21):c.272G>C (p.Gly91Ala)

Gene: VMA21 (vacuolar ATPase assembly factor VMA21; plus strand). Cytogenetic location: Xq28.
Variant type: single nucleotide variant.
Coding change: c.272G>C on transcript NM_001017980.4 (MANE Select); coding-DNA position 272, G replaced by C.
Protein change: p.Gly91Ala; replaces glycine 91 with alanine.
Molecular consequence: missense variant.
Genome position (GRCh38, 1-based): chrX:151,405,024, G>C. VCF-style: chrX-151405024-G-C. GRCh37 (hg19) VCF-style: chrX-150573496-G-C.
Other names: 272G-C; c.437G>C, p.Gly146Ala (NM_001363810.1); short protein forms G91A, G146A.
Identifiers: ClinVar variation 208802 (VCV000208802.4), dbSNP rs878854354, ClinGen allele CA10575764.
Genomic context (GRCh38, chrX:151,405,024, plus strand): 5'-TTGCAGTGGTCGCCGTCCATGTGGTGCTGGCCCTCTTTGTGTATGTGGCCTGGAATGAAG[G>C]CTCACGACAGTGGCGTGAAGGCAAACAGGATTAAAGTGAACATCACCTTTTTATAGCATT-3'
Protein context (NP_001017980.1, residues 81-101): ALFVYVAWNE[Gly91Ala]SRQWREGKQD